The following is an entry in ClinVar:

NM_002633.3(PGM1):c.1027C>T (p.Arg343Trp)

Gene: PGM1 (phosphoglucomutase 1; plus strand). Cytogenetic location: 1p31.3.
Variant type: single nucleotide variant.
Coding change: c.1027C>T on transcript NM_002633.3 (MANE Select); coding-DNA position 1027, C replaced by T.
Protein change: p.Arg343Trp; replaces arginine 343 with tryptophan.
Molecular consequence: missense variant.
Genome position (GRCh38, 1-based): chr1:63,636,387, C>T. VCF-style: chr1-63636387-C-T. GRCh37 (hg19) VCF-style: chr1-64102058-C-T.
Other names: c.1027C>T (NM_002633.2); c.1081C>T, p.Arg361Trp (NM_001172818.1); c.436C>T, p.Arg146Trp (NM_001172819.2); short protein forms R343W, R361W, R146W.
Identifiers: ClinVar variation 1599175 (VCV001599175.11), dbSNP rs577589562, ClinGen allele CA889684.

ClinVar aggregate classification (germline): Benign. Review status: criteria provided, multiple submitters, no conflicts (2 of 4 stars). 3 submissions from 3 submitters: Benign (2). 1 of the submissions does not count toward it. Last evaluated 2025-11-24.

Conditions:
PGM1-related disorder. Also called: PGM1-related condition; PGM1-related disorders.
PGM1-congenital disorder of glycosylation. Also called: Congenital disorder of glycosylation type 1t; CDG It; PHOSPHOGLUCOMUTASE 1 DEFICIENCY; PGM1 DEFICIENCY; GLYCOGEN STORAGE DISEASE XIV; GSD XIV. Identifiers: Orphanet 319646, MedGen C2752015, MONDO:0013968, OMIM 614921.

Allele frequency attached by ClinVar (database versions not stated): gnomAD exomes 0.00021 and 0.00044; ExAC 0.00050; 1000 Genomes Project 30x 0.00062; 1000 Genomes Project 0.00080; TOPMed 0.00001; gnomAD 0.00002 and 0.00009.
gnomAD v4.1: 319 of 1,613,882 alleles (0.02%); highest among the groups gnomAD compares: South Asian, 0.33%; 5 homozygotes.

Submissions (3):

Labcorp Genetics (formerly Invitae), Labcorp
Classification: Benign for PGM1-congenital disorder of glycosylation. Last evaluated: 2025-11-24. Review status: criteria provided, single submitter. Criteria: Invitae Variant Classification Sherloc (09022015). Collection method: clinical testing. Allele origin: germline.

Breakthrough Genomics
Classification: Benign. Review status: criteria provided, single submitter. Criteria: ACMG Guidelines, 2015. Collection method: not provided. Allele origin: germline. Inheritance: Autosomal recessive inheritance. Affected: yes.

PreventionGenetics, part of Exact Sciences
Classification: Likely benign for PGM1-related condition. Last evaluated: 2021-09-09. Review status: no assertion criteria provided. Collection method: clinical testing. Allele origin: germline. Not counted in ClinVar's aggregate classification.
Comment: This variant is classified as likely benign based on ACMG/AMP sequence variant interpretation guidelines (Richards et al. 2015 PMID: 25741868, with internal and published modifications).